The following is an entry in ClinVar:

ClinVar aggregate classification (germline): Uncertain significance (1 of 4 stars; one submission).

Submission:

Labcorp Genetics (formerly Invitae), Labcorp
Classification: Uncertain significance. Last evaluated: 2023-11-10. Review status: criteria provided, single submitter. Criteria: Invitae Variant Classification Sherloc (09022015). Collection method: clinical testing. Allele origin: unknown.
Comment: This variant is a gross deletion of the genomic region encompassing exon(s) 12-13 of the SAG gene. This variant would be expected to be in-frame, preserving the integrity of the reading frame. This variant has not been reported in the literature in individuals affected with SAG-related conditions. Experimental studies and prediction algorithms are not available or were not evaluated, and the functional significance of this variant is currently unknown. In summary, the available evidence is currently insufficient to determine the role of this variant in disease. Therefore, it has been classified as a Variant of Uncertain Significance.

NC_000002.11:g.(?_234247302)_(234249144_?)del

Gene: SAG (S-antigen visual arrestin; plus strand). Cytogenetic location: 2q37.1.
Variant type: Deletion.
Identifiers: ClinVar variation 3247463 (VCV003247463.1).